The following is an entry in ClinVar:

NM_020937.4(FANCM):c.2029G>A (p.Asp677Asn)

Gene: FANCM (FA complementation group M; plus strand). Cytogenetic location: 14q21.2.
Variant type: single nucleotide variant.
Coding change: c.2029G>A on transcript NM_020937.4 (MANE Select); coding-DNA position 2029, G replaced by A.
Protein change: p.Asp677Asn; replaces aspartic acid 677 with asparagine.
Molecular consequence: missense variant.
Genome position (GRCh38, 1-based): chr14:45,170,615, G>A. VCF-style: chr14-45170615-G-A. GRCh37 (hg19) VCF-style: chr14-45639818-G-A.
Other names: c.1951G>A, p.Asp651Asn (NM_001308133.2); short protein forms D651N, D677N.
Identifiers: ClinVar variation 1013969 (VCV001013969.8), dbSNP rs1888276122, ClinGen allele CA389595865.

ClinVar aggregate classification (germline): Uncertain significance (1 of 4 stars; one submission).

Conditions:
Fanconi anemia (FA). Also called: Fanconi's anemia. Identifiers: Orphanet 84, MedGen C0015625, MeSH D005199, MONDO:0019391.

Submission:

Labcorp Genetics (formerly Invitae), Labcorp
Classification: Uncertain significance for Fanconi anemia. Last evaluated: 2020-07-01. Review status: criteria provided, single submitter. Criteria: Invitae Variant Classification Sherloc (09022015). Collection method: clinical testing. Allele origin: germline.
Comment: This variant is not present in population databases (ExAC no frequency). This sequence change replaces aspartic acid with asparagine at codon 677 of the FANCM protein (p.Asp677Asn). The aspartic acid residue is weakly conserved and there is a small physicochemical difference between aspartic acid and asparagine. This variant has not been reported in the literature in individuals with FANCM-related conditions. Algorithms developed to predict the effect of missense changes on protein structure and function output the following: SIFT: "Tolerated"; PolyPhen-2: "Benign"; Align-GVGD: "Class C0". The asparagine amino acid residue is found in multiple mammalian species, suggesting that this missense change does not adversely affect protein function. These predictions have not been confirmed by published functional studies and their clinical significance is uncertain. In summary, the available evidence is currently insufficient to determine the role of this variant in disease. Therefore, it has been classified as a Variant of Uncertain Significance.